The following is an entry in ClinVar:

NM_018979.4(WNK1):c.5284C>T (p.Leu1762=)

Gene: WNK1 (WNK lysine deficient protein kinase 1; plus strand). Cytogenetic location: 12p13.33.
Variant type: single nucleotide variant.
Coding change: c.5284C>T on transcript NM_018979.4 (MANE Select); coding-DNA position 5284, C replaced by T.
Protein change: p.Leu1762=; no amino-acid change (leucine 1762 retained).
Molecular consequence: synonymous variant.
Genome position (GRCh38, 1-based): chr12:887,224, C>T. VCF-style: chr12-887224-C-T. GRCh37 (hg19) VCF-style: chr12-996390-C-T.
Other names: c.6064C>T, p.Leu2022= (NM_001184985.2); c.4543C>T, p.Leu1515= (NM_014823.3); c.6040C>T, p.Leu2014= (NM_213655.5).
Identifiers: ClinVar variation 471195 (VCV000471195.37), dbSNP rs72650741, ClinGen allele CA6383124.
Genomic context (GRCh38, chr12:887,224, plus strand): 5'-TACGCAGTCTTTATATTTAGCGTCTCACGGACTTGATTTTCCCTTTGTTGTCTGTAGGTG[C>T]TGCCAGTGGGTACTGAACTTCCAGCAGGTACTCTACCCAGCGAGCAGCTGCCACCTTTTC-3'
Protein context (NP_061852.3, residues 1752-1772): SKPPLTKAPV[Leu1762=]PVGTELPAGT

ClinVar aggregate classification (germline): Benign/Likely benign. Review status: criteria provided, multiple submitters, no conflicts (2 of 4 stars). 5 submissions from 5 submitters: Benign (1); Likely benign (4). Last evaluated 2026-03-02.

Conditions:
WNK1-related disorder. Also called: WNK1-related condition.
Neuropathy, hereditary sensory and autonomic, type 2A (HSAN2A). Also called: WNK1-Related HSAN2 (HSAN2A); MORVAN DISEASE; NEUROPATHY, CONGENITAL SENSORY; NEUROPATHY, HEREDITARY SENSORY RADICULAR, AUTOSOMAL RECESSIVE; NEUROPATHY, HEREDITARY SENSORY, TYPE IIA; NEUROPATHY, PROGRESSIVE SENSORY, OF CHILDREN. Identifiers: Orphanet 970, MedGen C2752089, MONDO:0024309, OMIM 201300.
Pseudohypoaldosteronism type 2C (PHA2C). Also called: Pseudohypoaldosteronism Type IIC. Identifiers: Orphanet 757, Orphanet 88940, MedGen C1840391, MONDO:0013778, OMIM 614492.

Allele frequency attached by ClinVar (database versions not stated): TOPMed 0.00110; gnomAD 0.00116 and 0.00105; ESP Exome Variant Server 0.00161; gnomAD exomes 0.00012 and 0.00029; ExAC 0.00029; 1000 Genomes Project 30x 0.00031; 1000 Genomes Project 0.00040.
gnomAD v4.1: 336 of 1,614,152 alleles (0.021%); highest among the groups gnomAD compares: African/African-American, 0.39%; no homozygotes.

Submissions (5):

Women's Health and Genetics/Laboratory Corporation of America, LabCorp
Classification: Likely benign. Last evaluated: 2026-03-02. Review status: criteria provided, single submitter. Criteria: LabCorp Variant Classification Summary - May 2015. Collection method: clinical testing. Allele origin: germline.

Labcorp Genetics (formerly Invitae), Labcorp
Classification: Benign for Neuropathy, hereditary sensory and autonomic, type 2A; Pseudohypoaldosteronism type 2C. Last evaluated: 2026-01-15. Review status: criteria provided, single submitter. Criteria: Invitae Variant Classification Sherloc (09022015). Collection method: clinical testing. Allele origin: germline.

PreventionGenetics, part of Exact Sciences
Classification: Likely benign for WNK1-related condition. Last evaluated: 2025-03-12. Review status: criteria provided, single submitter. Criteria: ACMG Guidelines, 2015. Collection method: clinical testing. Allele origin: germline.
Comment: This variant is classified as likely benign based on ACMG/AMP sequence variant interpretation guidelines (Richards et al. 2015 PMID: 25741868, with internal and published modifications).

CeGaT Center for Human Genetics Tuebingen
Classification: Likely benign. Last evaluated: 2023-03-01. Review status: criteria provided, single submitter. Criteria: CeGaT Center For Human Genetics Tuebingen Variant Classification Criteria Version 2. Collection method: clinical testing. Allele origin: germline. Affected: yes. Observed: 1 variant allele.
Comment: WNK1: BP4, BP7

Fulgent Genetics
Classification: Likely benign for Neuropathy, hereditary sensory and autonomic, type 2A; Pseudohypoaldosteronism type 2C. Last evaluated: 2022-02-03. Review status: criteria provided, single submitter. Criteria: ACMG Guidelines, 2015. Collection method: clinical testing. Allele origin: unknown.